The following is an entry in ClinVar:

NM_001378609.3(OTOGL):c.3376C>A (p.Gln1126Lys)

Gene: OTOGL (otogelin like; plus strand). Cytogenetic location: 12q21.31.
Variant type: single nucleotide variant.
Coding change: c.3376C>A on transcript NM_001378609.3 (MANE Select); coding-DNA position 3376, C replaced by A.
Protein change: p.Gln1126Lys; replaces glutamine 1126 with lysine.
Molecular consequence: missense variant.
Genome position (GRCh38, 1-based): chr12:80,310,653, C>A. VCF-style: chr12-80310653-C-A. GRCh37 (hg19) VCF-style: chr12-80704433-C-A.
Other names: c.3241C>A, p.Gln1081Lys (NM_001368062.3); c.3376C>A, p.Gln1126Lys (NM_001378610.3, NM_173591.7); short protein forms Q1117K, Q1081K, Q1126K.
Identifiers: ClinVar variation 229117 (VCV000229117.13), dbSNP rs876657947, ClinGen allele CA10576933.
Genomic context (GRCh38, chr12:80,310,653, plus strand): 5'-CTTAAATTTTTTCAACAGTGTGAAAGTCCAGATGAAACAATTAAACCCTGTGAGGCACAT[C>A]AAAACAAATTTCCTTATGCCAAGAAAGAATGCTCCATTTTGTACAGTGATATTTTTGCTT-3'
Protein context (NP_001365538.2, residues 1116-1136): DETIKPCEAH[Gln1126Lys]NKFPYAKKEC

ClinVar aggregate classification (germline): Uncertain significance. Review status: criteria provided, multiple submitters, no conflicts (2 of 4 stars). 4 submissions from 4 submitters: Uncertain significance (4). Last evaluated 2025-02-26.

Allele frequency attached by ClinVar (database versions not stated): gnomAD 0.00001; gnomAD exomes 0.00001.
gnomAD v4.1: 8 of 1,597,034 alleles (0.0005%); highest among the groups gnomAD compares: Middle Eastern, 0.082%; no homozygotes.

Submissions (4):

GeneDx
Classification: Uncertain significance. Last evaluated: 2025-02-26. Review status: criteria provided, single submitter. Criteria: GeneDx Variant Classification Process June 2021. Collection method: clinical testing. Allele origin: germline. Affected: yes.
Comment: Not observed at significant frequency in large population cohorts (gnomAD); In silico analysis indicates that this missense variant does not alter protein structure/function; This variant is associated with the following publications: (PMID: 40004452, 34515852)

Labcorp Genetics (formerly Invitae), Labcorp
Classification: Uncertain significance. Last evaluated: 2022-08-09. Review status: criteria provided, single submitter. Criteria: Invitae Variant Classification Sherloc (09022015). Collection method: clinical testing. Allele origin: germline.
Comment: In summary, the available evidence is currently insufficient to determine the role of this variant in disease. Therefore, it has been classified as a Variant of Uncertain Significance. Algorithms developed to predict the effect of sequence changes on RNA splicing suggest that this variant may disrupt the consensus splice site. Algorithms developed to predict the effect of missense changes on protein structure and function are either unavailable or do not agree on the potential impact of this missense change (SIFT: "Tolerated"; PolyPhen-2: "Probably Damaging"; Align-GVGD: "Class C0"). ClinVar contains an entry for this variant (Variation ID: 229117). This variant has not been reported in the literature in individuals affected with OTOGL-related conditions. This variant is present in population databases (no rsID available, gnomAD 0.007%). This sequence change replaces glutamine, which is neutral and polar, with lysine, which is basic and polar, at codon 1117 of the OTOGL protein (p.Gln1117Lys).

Blueprint Genetics
Classification: Uncertain significance. Last evaluated: 2021-03-12. Review status: criteria provided, single submitter. Criteria: ACMG Guidelines, 2015. Collection method: clinical testing. Allele origin: germline.

Laboratory for Molecular Medicine, Mass General Brigham Personalized Medicine
Classification: Uncertain significance. Last evaluated: 2016-03-01. Review status: criteria provided, single submitter. Criteria: LMM Criteria. Collection method: clinical testing. Allele origin: germline. Observed: 1 variant allele.
Comment: The p.Gln1117Lys variant in OTOGL has not been previously reported in individual s with hearing loss or in large population studies. Glutamine (Gln) at position 1117 is not conserved in fish, of which 13 species carry a lysine (Lys) at this position, raising the possibility that this change may be tolerated. Additional computational prediction tools do not provide strong support for or against an i mpact to the protein. In summary, the clinical significance of the p.Gln1117Lys variant is uncertain.